The following is an entry in ClinVar:

ClinVar aggregate classification (germline): Uncertain significance (1 of 4 stars; one submission).

Submission:

GeneDx
Classification: Uncertain significance. Last evaluated: 2022-12-13. Review status: criteria provided, single submitter. Criteria: GeneDx Variant Classification Process June 2021. Collection method: clinical testing. Allele origin: germline. Affected: yes.
Comment: Not observed at significant frequency in large population cohorts (gnomAD); In silico analysis supports that this missense variant has a deleterious effect on protein structure/function; Has not been previously published as pathogenic or benign to our knowledge

NM_001555.5(IGSF1):c.2579C>T (p.Pro860Leu)

Gene: IGSF1 (immunoglobulin superfamily member 1; minus strand). Cytogenetic location: Xq26.1.
Variant type: single nucleotide variant.
Coding change: c.2579C>T on transcript NM_001555.5 (MANE Select); coding-DNA position 2579, C replaced by T.
Protein change: p.Pro860Leu; replaces proline 860 with leucine.
Molecular consequence: missense variant.
Genome position (GRCh38, 1-based): chrX:131,276,968, G>A on the plus strand (C>T on the coding strand, the complement: IGSF1 is on the minus strand). VCF-style: chrX-131276968-G-A. GRCh37 (hg19) VCF-style: chrX-130410942-G-A.
Other names: c.2594C>T, p.Pro865Leu (NM_001170961.2); c.2552C>T, p.Pro851Leu (NM_001170962.2); short protein forms P851L, P860L, P865L.
Identifiers: ClinVar variation 2505778 (VCV002505778.1), dbSNP rs2522205216, ClinGen allele CA414561706.